The following is an entry in ClinVar:

ClinVar aggregate classification (germline): Conflicting classifications of pathogenicity. Review status: criteria provided, conflicting classifications (1 of 4 stars). 7 submissions from 7 submitters: Uncertain significance (1); Benign (5); Likely benign (1). Last evaluated 2026-02-04.

Conditions:
Psoriasis 2. Identifiers: MedGen C1864497, MONDO:0011269, OMIM 602723.
Pityriasis rubra pilaris (PRP). Also called: Pityriasis rubra pilaris--familial type. Identifiers: Orphanet 2897, MedGen C0032027, MONDO:0100017, OMIM 173200, MONDO:0008251.

Allele frequency attached by ClinVar (database versions not stated): 1000 Genomes Project 30x 0.07121; 1000 Genomes Project 0.07208; ESP Exome Variant Server 0.08875.
gnomAD v4.1: 209,093 of 1,500,924 alleles (14%); highest among the groups gnomAD compares: Non-Finnish European, 15%; 16,107 homozygotes.

Submissions (7):

Labcorp Genetics (formerly Invitae), Labcorp
Classification: Benign for Pityriasis rubra pilaris; Psoriasis 2. Last evaluated: 2026-02-04. Review status: criteria provided, single submitter. Criteria: Invitae Variant Classification Sherloc (09022015). Collection method: clinical testing. Allele origin: germline.

Women's Health and Genetics/Laboratory Corporation of America, LabCorp
Classification: Benign. Last evaluated: 2026-01-21. Review status: criteria provided, single submitter. Criteria: LabCorp Variant Classification Summary - May 2015. Collection method: clinical testing. Allele origin: germline.

Blueprint Genetics
Classification: Likely benign. Last evaluated: 2024-11-28. Review status: criteria provided, single submitter. Criteria: ACMG Guidelines, 2015. Collection method: clinical testing. Allele origin: germline.

Unidad de Genómica Garrahan, Hospital de Pediatría Garrahan
Classification: Benign. Last evaluated: 2023-11-12. Review status: criteria provided, single submitter. Criteria: ACMG Guidelines, 2015. Collection method: clinical testing. Allele origin: germline. Affected: no. Observed: 21 variant alleles.
Comment: This variant is classified as Benign based on local population frequency. This variant was detected in 22% of patients studied by a panel of primary immunodeficiencies. Number of patients: 21. Only high quality variants are reported.

GeneDx
Classification: Benign. Last evaluated: 2018-07-09. Review status: criteria provided, single submitter. Criteria: GeneDx Variant Classification Process June 2021. Collection method: clinical testing. Allele origin: germline. Affected: yes.

Breakthrough Genomics
Classification: Benign. Review status: criteria provided, single submitter. Criteria: ACMG Guidelines, 2015. Collection method: not provided. Allele origin: germline. Inheritance: Autosomal dominant inheritance. Affected: yes.

Clinical Genomics, Uppaluri K&H Personalized Medicine Clinic
Classification: Uncertain significance for Pityriasis rubra pilaris. Review status: criteria provided, single submitter. Criteria: K &amp; H Uppaluri Personalized Medicine Clinic Variant Classification &amp; Assertion Criteria_Updated V.1. Collection method: clinical testing. Allele origin: germline. Inheritance: Autosomal dominant inheritance. Affected: yes. Observed: 1 heterozygote.
Comment: CARD14 is a scaffold protein that mediates NF-κB signal transduction in skin keratinocytes. Potent mutations in Card14 have been shown to be associated with familial pustular psoriasis and other cutaneous inflammatory conditions like Pytriasis rubra pilaris. However, the role of rs111745899 is yet to be ascertained.

Literature cited by the submitters: PubMed 31971603 (cited by Clinical Genomics, Uppaluri K&H Personalized Medicine Clinic); PubMed 22521419 (cited by Clinical Genomics, Uppaluri K&H Personalized Medicine Clinic); PubMed 26203641 (cited by Clinical Genomics, Uppaluri K&H Personalized Medicine Clinic); PubMed 36221432 (cited by Clinical Genomics, Uppaluri K&H Personalized Medicine Clinic); PubMed 36174714 (cited by Clinical Genomics, Uppaluri K&H Personalized Medicine Clinic).

NM_001366385.1(CARD14):c.2808-19C>A

Genes: CARD14 (caspase recruitment domain family member 14; plus strand), SGSH (N-sulfoglucosamine sulfohydrolase; minus strand). Cytogenetic location: 17q25.3.
Variant type: single nucleotide variant.
Coding change: c.2808-19C>A on transcript NM_001366385.1 (MANE Select); 19 bases into the intron before coding-DNA position 2808, C replaced by A.
Molecular consequence: intron variant.
Genome position (GRCh38, 1-based): chr17:80,208,119, C>A. VCF-style: chr17-80208119-C-A. GRCh37 (hg19) VCF-style: chr17-78181918-C-A.
Other names: c.2808-19C>A (NM_024110.4).
Identifiers: ClinVar variation 1170164 (VCV001170164.16), dbSNP rs111745899, ClinGen allele CA8817482.